The following is an entry in ClinVar:

ClinVar aggregate classification (germline): Uncertain significance. Review status: criteria provided, multiple submitters, no conflicts (2 of 4 stars). 3 submissions from 3 submitters: Uncertain significance (3). Last evaluated 2025-12-22.

Conditions:
Van Maldergem syndrome 2 (VMLDS2). Identifiers: Orphanet 314679, MedGen C3809875, MONDO:0014242, OMIM 615546.
Hennekam lymphangiectasia-lymphedema syndrome 2 (HKLLS2). Identifiers: Orphanet 2136, MedGen C4014939, MONDO:0014454, OMIM 616006.

Allele frequency attached by ClinVar (database versions not stated): gnomAD 0.00001; gnomAD exomes 0.00003 and 0.00005; ExAC 0.00004.
gnomAD v4.1: 78 of 1,613,932 alleles (0.0048%); highest among the groups gnomAD compares: Middle Eastern, 0.016%; no homozygotes.

Submissions (3):

Labcorp Genetics (formerly Invitae), Labcorp
Classification: Uncertain significance. Last evaluated: 2025-12-22. Review status: criteria provided, single submitter. Criteria: Invitae Variant Classification Sherloc (09022015). Collection method: clinical testing. Allele origin: germline.
Comment: This sequence change replaces glycine, which is neutral and non-polar, with aspartic acid, which is acidic and polar, at codon 3135 of the FAT4 protein (p.Gly3135Asp). This variant is present in population databases (rs771849892, gnomAD 0.007%). This variant has not been reported in the literature in individuals affected with FAT4-related conditions. ClinVar contains an entry for this variant (Variation ID: 1306630). Invitae Evidence Modeling of protein sequence and biophysical properties (such as structural, functional, and spatial information, amino acid conservation, physicochemical variation, residue mobility, and thermodynamic stability) indicates that this missense variant is not expected to disrupt FAT4 protein function with a negative predictive value of 95%. In summary, the available evidence is currently insufficient to determine the role of this variant in disease. Therefore, it has been classified as a Variant of Uncertain Significance.

Fulgent Genetics
Classification: Uncertain significance for Van Maldergem syndrome 2; Hennekam lymphangiectasia-lymphedema syndrome 2. Last evaluated: 2024-04-20. Review status: criteria provided, single submitter. Criteria: ACMG Guidelines, 2015. Collection method: clinical testing. Allele origin: germline.

GeneDx
Classification: Uncertain significance. Last evaluated: 2023-06-26. Review status: criteria provided, single submitter. Criteria: GeneDx Variant Classification Process June 2021. Collection method: clinical testing. Allele origin: germline. Affected: yes.
Comment: Not observed at significant frequency in large population cohorts (gnomAD); In silico analysis, which includes protein predictors and evolutionary conservation, supports that this variant does not alter protein structure/function; Has not been previously published as pathogenic or benign to our knowledge

NM_001291303.3(FAT4):c.9410G>A (p.Gly3137Asp)

Gene: FAT4 (FAT atypical cadherin 4; plus strand). Cytogenetic location: 4q28.1.
Variant type: single nucleotide variant.
Coding change: c.9410G>A on transcript NM_001291303.3 (MANE Select); coding-DNA position 9410, G replaced by A.
Protein change: p.Gly3137Asp; replaces glycine 3137 with aspartic acid.
Molecular consequence: missense variant.
Genome position (GRCh38, 1-based): chr4:125,450,420, G>A. VCF-style: chr4-125450420-G-A. GRCh37 (hg19) VCF-style: chr4-126371575-G-A.
Other names: c.9410G>A, p.Gly3137Asp (NM_001291285.3); c.9404G>A, p.Gly3135Asp (NM_024582.6); c.9404G>A (NM_024582.5); short protein forms G3135D, G3137D.
Identifiers: ClinVar variation 1306630 (VCV001306630.5), dbSNP rs771849892, ClinGen allele CA3073521.